The following is an entry in ClinVar:

ClinVar aggregate classification (germline): Uncertain significance. Review status: criteria provided, multiple submitters, no conflicts (2 of 4 stars). 2 submissions from 2 submitters: Uncertain significance (2). Last evaluated 2025-09-01.

Conditions:
TBX1-related disorder. Also called: TBX1-Related Disorders; TBX1-related condition.
DiGeorge syndrome. Also called: THIRD AND FOURTH PHARYNGEAL POUCH SYNDROME; Catch22. Identifiers: Orphanet 567, MedGen C0012236, MONDO:0008564, OMIM 188400.

gnomAD v4.1: 27 of 1,344,724 alleles (0.002%); highest among the groups gnomAD compares: Middle Eastern, 0.055%; no homozygotes.

Submissions (2):

Labcorp Genetics (formerly Invitae), Labcorp
Classification: Uncertain significance for DiGeorge syndrome. Last evaluated: 2025-09-01. Review status: criteria provided, single submitter. Criteria: Invitae Variant Classification Sherloc (09022015). Collection method: clinical testing. Allele origin: germline.
Comment: This sequence change replaces glycine, which is neutral and non-polar, with valine, which is neutral and non-polar, at codon 350 of the TBX1 protein (p.Gly350Val). The frequency data for this variant in the population databases is considered unreliable, as metrics indicate poor data quality at this position in the gnomAD database. This variant has not been reported in the literature in individuals affected with TBX1-related conditions. ClinVar contains an entry for this variant (Variation ID: 1508656). An algorithm developed to predict the effect of missense changes on protein structure and function (PolyPhen-2) suggests that this variant is likely to be disruptive. In summary, the available evidence is currently insufficient to determine the role of this variant in disease. Therefore, it has been classified as a Variant of Uncertain Significance.

PreventionGenetics, part of Exact Sciences
Classification: Uncertain significance for TBX1-related condition. Last evaluated: 2022-12-16. Review status: criteria provided, single submitter. Criteria: ACMG Guidelines, 2015. Collection method: clinical testing. Allele origin: germline.
Comment: The TBX1 c.1049G>T variant is predicted to result in the amino acid substitution p.Gly350Val. To our knowledge, this variant has not been reported in the literature. This variant is reported in 0.0070% of alleles in individuals of European (Non-Finnish) descent in gnomAD. At this time, the clinical significance of this variant is uncertain due to the absence of conclusive functional and genetic evidence.

NM_001379200.1(TBX1):c.1076G>T (p.Gly359Val)

Gene: TBX1 (T-box transcription factor 1; plus strand). Cytogenetic location: 22q11.21.
Variant type: single nucleotide variant.
Coding change: c.1076G>T on transcript NM_001379200.1 (MANE Select); coding-DNA position 1076, G replaced by T.
Protein change: p.Gly359Val; replaces glycine 359 with valine.
Molecular consequence: missense variant. On other transcripts: intron variant (2).
Genome position (GRCh38, 1-based): chr22:19,766,428, G>T. VCF-style: chr22-19766428-G-T. GRCh37 (hg19) VCF-style: chr22-19753951-G-T.
Other names: c.1009+426G>T (NM_005992.1, NM_080646.2); c.1049G>T, p.Gly350Val (NM_080647.1); short protein forms G359V, G350V.
Identifiers: ClinVar variation 1508656 (VCV001508656.7), dbSNP rs781731042, ClinGen allele CA410684044.